The following is an entry in ClinVar:

ClinVar aggregate classification (germline): Benign/Likely benign. Review status: criteria provided, multiple submitters, no conflicts (2 of 4 stars). 2 submissions from 2 submitters: Benign (1); Likely benign (1). Last evaluated 2025-06-12.

Conditions:
Von Hippel-Lindau syndrome (VHLS). Also called: von Hippel–Lindau syndrome; VHL syndrome; Von Hippel-Lindau. Identifiers: Orphanet 892, MedGen C0019562, MONDO:0008667, OMIM 193300. Disease mechanism: loss of function.
Hereditary cancer-predisposing syndrome. Also called: Neoplastic Syndromes, Hereditary; Tumor predisposition; Hereditary Cancer Syndrome; Hereditary neoplastic syndrome. Identifiers: Orphanet 140162, MedGen C0027672, MeSH D009386, MONDO:0015356.

Submissions (2):

Myriad Genetics, Inc.
Classification: Benign for Von Hippel-Lindau syndrome. Last evaluated: 2025-06-12. Review status: criteria provided, single submitter. Criteria: Myriad Autosomal Dominant, Autosomal Recessive and X-Linked Classification Criteria (2023). Collection method: clinical testing. Allele origin: unknown.
Comment: This variant is considered benign. This variant is a silent/synonymous amino acid change and it is not expected to impact splicing.

Ambry Genetics
Classification: Likely benign for Hereditary cancer-predisposing syndrome. Last evaluated: 2020-08-12. Review status: criteria provided, single submitter. Criteria: Ambry Variant Classification Scheme 2023. Collection method: clinical testing. Allele origin: germline.

NM_000551.4(VHL):c.387G>A (p.Leu129=)

Genes: VHL (von Hippel-Lindau tumor suppressor; plus strand), LOC107303340 (3p25 von Hippel-Lindau tumor suppressor, E3 ubiquitin protein ligase Alu-mediated recombination region; plus strand). Cytogenetic location: 3p25.3.
Variant type: single nucleotide variant.
Coding change: c.387G>A on transcript NM_000551.4 (MANE Select); coding-DNA position 387, G replaced by A.
Protein change: p.Leu129=; no amino-acid change (leucine 129 retained).
Molecular consequence: synonymous variant. On other transcripts: non-coding transcript variant (1), intron variant (2).
Genome position (GRCh38, 1-based): chr3:10,146,560, G>A. VCF-style: chr3-10146560-G-A. GRCh37 (hg19) VCF-style: chr3-10188244-G-A.
Other names: c.*18-3227G>A (NM_001354723.2); c.341-3227G>A (NM_198156.3).
Identifiers: ClinVar variation 1735788 (VCV001735788.3), dbSNP rs778846471, ClinGen allele CA432421835.